The following is an entry in ClinVar:

NM_007194.4(CHEK2):c.1311G>A (p.Lys437=)

Gene: CHEK2 (checkpoint kinase 2; minus strand). Cytogenetic location: 22q12.1.
Variant type: single nucleotide variant.
Coding change: c.1311G>A on transcript NM_007194.4 (MANE Select); coding-DNA position 1311, G replaced by A.
Protein change: p.Lys437=; no amino-acid change (lysine 437 retained).
Molecular consequence: synonymous variant.
Genome position (GRCh38, 1-based): chr22:28,695,191, C>T on the plus strand (G>A on the coding strand, the complement: CHEK2 is on the minus strand). VCF-style: chr22-28695191-C-T. GRCh37 (hg19) VCF-style: chr22-29091179-C-T.
Other names: c.648G>A, p.Lys216= (NM_001257387.3); c.1224G>A, p.Lys408= (NM_145862.3); c.1110G>A, p.Lys370= (NM_001349956.3); c.1440G>A, p.Lys480= (NM_001005735.3).
Identifiers: ClinVar variation 3492184 (VCV003492184.4).

ClinVar aggregate classification (germline): Benign/Likely benign. Review status: criteria provided, multiple submitters, no conflicts (2 of 4 stars). 3 submissions from 3 submitters: Benign (1); Likely benign (2). Last evaluated 2024-10-08.

Conditions:
Familial cancer of breast. Also called: BREAST CANCER, FAMILIAL; Hereditary breast cancer; hereditary breast carcinoma. Identifiers: Orphanet 227535, MedGen C0346153, MONDO:0016419, OMIM 114480. Disease mechanism: loss of function.
Hereditary cancer-predisposing syndrome. Also called: Tumor predisposition; Neoplastic Syndromes, Hereditary; Hereditary Cancer Syndrome; Hereditary neoplastic syndrome. Identifiers: Orphanet 140162, MedGen C0027672, MeSH D009386, MONDO:0015356.

Submissions (3):

Myriad Genetics, Inc.
Classification: Benign for Familial cancer of breast. Last evaluated: 2024-10-08. Review status: criteria provided, single submitter. Criteria: Myriad Autosomal Dominant, Autosomal Recessive and X-Linked Classification Criteria (2023). Collection method: clinical testing. Allele origin: unknown.
Comment: This variant is considered benign. This variant is a silent/synonymous amino acid change and it is not expected to impact splicing.

Ambry Genetics
Classification: Likely benign for Hereditary cancer-predisposing syndrome. Last evaluated: 2024-08-05. Review status: criteria provided, single submitter. Criteria: Ambry Variant Classification Scheme 2023. Collection method: clinical testing. Allele origin: germline.

Labcorp Genetics (formerly Invitae), Labcorp
Classification: Likely benign for Familial cancer of breast. Last evaluated: 2024-05-31. Review status: criteria provided, single submitter. Criteria: Invitae Variant Classification Sherloc (09022015). Collection method: clinical testing. Allele origin: germline.